The following is an entry in ClinVar:

ClinVar aggregate classification (germline): Pathogenic (1 of 4 stars; one submission).

Conditions:
Citrin deficiency. Identifiers: Orphanet 247582, MedGen C1997910, MONDO:0016602.

Submission:

Labcorp Genetics (formerly Invitae), Labcorp
Classification: Pathogenic for Citrin deficiency. Last evaluated: 2022-02-24. Review status: criteria provided, single submitter. Criteria: Invitae Variant Classification Sherloc (09022015). Collection method: clinical testing. Allele origin: germline.
Comment: For these reasons, this variant has been classified as Pathogenic. This premature translational stop signal has been observed in individual(s) with SLC25A13-related conditions (PMID: 19036621). This variant is not present in population databases (gnomAD no frequency). This sequence change creates a premature translational stop signal (p.Val58Glyfs*24) in the SLC25A13 gene. It is expected to result in an absent or disrupted protein product. Loss-of-function variants in SLC25A13 are known to be pathogenic (PMID: 10369257, 14680984, 27405544).

Literature cited by the submitters: PubMed 19036621; PubMed 10369257; PubMed 14680984; PubMed 27405544.

NM_014251.3(SLC25A13):c.173_174del (p.Val58fs)

Gene: SLC25A13 (solute carrier family 25 member 13; minus strand). Cytogenetic location: 7q21.3.
Variant type: Microsatellite.
Coding change: c.173_174del on transcript NM_014251.3 (MANE Select); coding-DNA positions 173 to 174, 2 bases deleted (TG; older notation c.173_174delTG).
Protein change: p.Val58fs; shifts the reading frame from valine 58.
Molecular consequence: frameshift variant. On other transcripts: non-coding transcript variant (1).
Genome position (GRCh38, 1-based): chr7:96,277,234-96,277,235, CA deleted on the plus strand (TG on the coding strand, the reverse complement: SLC25A13 is on the minus strand); deleting any 2 consecutive bases within chr7:96,277,234-96,277,237 gives the same sequence; the c. name uses the placement nearest the transcript's 3' end. VCF-style (leftmost placement, unchanged base first): chr7-96277233-CCA-C. GRCh37 (hg19) VCF-style: chr7-95906545-CCA-C.
Other names: c.173_174del, p.Val58fs (NM_001160210.2); short protein forms V58fs.
Identifiers: ClinVar variation 1075399 (VCV001075399.9), dbSNP rs1798487766, ClinGen allele CA1727631506.